The following is an entry in ClinVar:

NM_003072.5(SMARCA4):c.1173C>T (p.Ser391=)

Gene: SMARCA4 (SWI/SNF related BAF chromatin remodeling complex subunit ATPase 4; plus strand). Cytogenetic location: 19p13.2.
Variant type: single nucleotide variant.
Coding change: c.1173C>T on transcript NM_003072.5 (MANE Select); coding-DNA position 1173, C replaced by T.
Protein change: p.Ser391=; no amino-acid change (serine 391 retained).
Molecular consequence: synonymous variant. On other transcripts: non-coding transcript variant (1).
Genome position (GRCh38, 1-based): chr19:10,989,371, C>T. VCF-style: chr19-10989371-C-T. GRCh37 (hg19) VCF-style: chr19-11100047-C-T.
Other names: c.1173C>T, p.Ser391= (NM_001128844.3, NM_001128845.2, NM_001128846.2 and 5 more transcripts); c.1173C>T (NM_001128849.1).
Identifiers: ClinVar variation 1080533 (VCV001080533.11), dbSNP rs1319047096, ClinGen allele CA505489893.

ClinVar aggregate classification (germline): Benign/Likely benign. Review status: criteria provided, multiple submitters, no conflicts (2 of 4 stars). 3 submissions from 3 submitters: Benign (1); Likely benign (2). Last evaluated 2026-07-09.

Conditions:
Hereditary cancer-predisposing syndrome. Also called: Hereditary Cancer Syndrome; Hereditary neoplastic syndrome; Neoplastic Syndromes, Hereditary; Tumor predisposition. Identifiers: Orphanet 140162, MedGen C0027672, MeSH D009386, MONDO:0015356.
Rhabdoid tumor predisposition syndrome 2 (RTPS2). Identifiers: Orphanet 231108, Orphanet 69077, MedGen C2750074, MONDO:0013224, OMIM 613325.

Allele frequency attached by ClinVar (database versions not stated): gnomAD exomes 0.00001.
gnomAD v4.1: 2 of 1,614,144 alleles (0.00012%); highest among the groups gnomAD compares: Non-Finnish European, 0.00017%; no homozygotes.

Submissions (3):

Myriad Genetics, Inc.
Classification: Benign for Rhabdoid tumor predisposition syndrome 2. Last evaluated: 2026-07-09. Review status: criteria provided, single submitter. Criteria: Myriad Autosomal Dominant, Autosomal Recessive and X-Linked Classification Criteria (2023). Collection method: clinical testing. Allele origin: unknown.
Comment: This variant is considered benign. This variant is a silent/synonymous amino acid change and it is not expected to impact splicing.

Labcorp Genetics (formerly Invitae), Labcorp
Classification: Likely benign for Rhabdoid tumor predisposition syndrome 2. Last evaluated: 2026-01-25. Review status: criteria provided, single submitter. Criteria: Invitae Variant Classification Sherloc (09022015). Collection method: clinical testing. Allele origin: germline.

Ambry Genetics
Classification: Likely benign for Hereditary cancer-predisposing syndrome. Last evaluated: 2023-04-19. Review status: criteria provided, single submitter. Criteria: Ambry Variant Classification Scheme 2023. Collection method: clinical testing. Allele origin: germline.